The following is an entry in ClinVar:

NM_014319.5(LEMD3):c.569G>T (p.Arg190Leu)

Gene: LEMD3 (LEM domain containing 3; plus strand). Cytogenetic location: 12q14.3.
Variant type: single nucleotide variant.
Coding change: c.569G>T on transcript NM_014319.5 (MANE Select); coding-DNA position 569, G replaced by T.
Protein change: p.Arg190Leu; replaces arginine 190 with leucine.
Molecular consequence: missense variant.
Genome position (GRCh38, 1-based): chr12:65,170,165, G>T. VCF-style: chr12-65170165-G-T. GRCh37 (hg19) VCF-style: chr12-65563945-G-T.
Other names: c.569G>T, p.Arg190Leu (NM_001167614.2); short protein forms R190L.
Identifiers: ClinVar variation 3650901 (VCV003650901.2).
Genomic context (GRCh38, chr12:65,170,165, plus strand): 5'-TCAAAGCGCCGCCGGCGCCCCTGGCCGCCAGCGAGGTGACTAACAGCAACTCTGCAGAGC[G>T]AAGGAAGCCCCACTCGTGGTGGGGGGCCAGGAGGCCGGCGGGCCCCGAGCTGCAGACCCC-3'
Protein context (NP_055134.2, residues 180-200): SEVTNSNSAE[Arg190Leu]RKPHSWWGAR

ClinVar aggregate classification (germline): Uncertain significance (1 of 4 stars; one submission).

Submission:

Labcorp Genetics (formerly Invitae), Labcorp
Classification: Uncertain significance. Last evaluated: 2024-04-25. Review status: criteria provided, single submitter. Criteria: Invitae Variant Classification Sherloc (09022015). Collection method: clinical testing. Allele origin: germline.
Comment: This sequence change replaces arginine, which is basic and polar, with leucine, which is neutral and non-polar, at codon 190 of the LEMD3 protein (p.Arg190Leu). This variant is not present in population databases (gnomAD no frequency). This variant has not been reported in the literature in individuals affected with LEMD3-related conditions. Advanced modeling of protein sequence and biophysical properties (such as structural, functional, and spatial information, amino acid conservation, physicochemical variation, residue mobility, and thermodynamic stability) performed at Invitae indicates that this missense variant is not expected to disrupt LEMD3 protein function with a negative predictive value of 80%. In summary, the available evidence is currently insufficient to determine the role of this variant in disease. Therefore, it has been classified as a Variant of Uncertain Significance.